The following is an entry in ClinVar:

ClinVar aggregate classification (germline): Uncertain significance (1 of 4 stars; one submission).

Conditions:
Nephronophthisis 14 (NPHP14). Identifiers: Orphanet 2318, MedGen C3539071, MONDO:0013916, OMIM 614844.

Allele frequency attached by ClinVar (database versions not stated): ExAC 0.00001; gnomAD 0.00001; gnomAD exomes 0.00001; TOPMed 0.00001.
gnomAD v4.1: 12 of 1,613,608 alleles (0.00074%); highest among the groups gnomAD compares: Non-Finnish European, 0.00068%; no homozygotes.

Submission:

Labcorp Genetics (formerly Invitae), Labcorp
Classification: Uncertain significance for Nephronophthisis 14. Last evaluated: 2022-08-12. Review status: criteria provided, single submitter. Criteria: Invitae Variant Classification Sherloc (09022015). Collection method: clinical testing. Allele origin: germline.
Comment: This variant has not been reported in the literature in individuals affected with ZNF423-related conditions. In summary, the available evidence is currently insufficient to determine the role of this variant in disease. Therefore, it has been classified as a Variant of Uncertain Significance. Algorithms developed to predict the effect of missense changes on protein structure and function (SIFT, PolyPhen-2, Align-GVGD) all suggest that this variant is likely to be tolerated. This variant is present in population databases (rs766919907, gnomAD 0.002%). This sequence change replaces alanine, which is neutral and non-polar, with valine, which is neutral and non-polar, at codon 881 of the ZNF423 protein (p.Ala881Val).

NM_001379286.1(ZNF423):c.2666C>T (p.Ala889Val)

Gene: ZNF423 (zinc finger protein 423; minus strand). Cytogenetic location: 16q12.1.
Variant type: single nucleotide variant.
Coding change: c.2666C>T on transcript NM_001379286.1 (MANE Select); coding-DNA position 2666, C replaced by T.
Protein change: p.Ala889Val; replaces alanine 889 with valine.
Molecular consequence: missense variant.
Genome position (GRCh38, 1-based): chr16:49,636,510, G>A on the plus strand (C>T on the coding strand, the complement: ZNF423 is on the minus strand). VCF-style: chr16-49636510-G-A. GRCh37 (hg19) VCF-style: chr16-49670421-G-A.
Other names: c.2462C>T, p.Ala821Val (NM_001271620.2); c.2291C>T, p.Ala764Val (NM_001330533.2); c.2642C>T, p.Ala881Val (NM_015069.5); short protein forms A764V, A821V, A881V, A889V.
Identifiers: ClinVar variation 2419243 (VCV002419243.6), dbSNP rs766919907, ClinGen allele CA8046456.